The following is an entry in ClinVar:

ClinVar aggregate classification (germline): Uncertain significance. Review status: criteria provided, multiple submitters, no conflicts (2 of 4 stars). 2 submissions from 2 submitters: Uncertain significance (2). Last evaluated 2023-02-02.

Conditions:
Primary ciliary dyskinesia. Also called: Ciliary dyskinesia. Identifiers: Orphanet 244, MedGen C0008780, MONDO:0016575, HP:0012265.

gnomAD v4.1: 1 of 1,613,762 alleles (0.000062%); no homozygotes.

Submissions (2):

Labcorp Genetics (formerly Invitae), Labcorp
Classification: Uncertain significance for Primary ciliary dyskinesia. Last evaluated: 2023-02-02. Review status: criteria provided, single submitter. Criteria: Invitae Variant Classification Sherloc (09022015). Collection method: clinical testing. Allele origin: germline.
Comment: This variant is not present in population databases (gnomAD no frequency). In summary, the available evidence is currently insufficient to determine the role of this variant in disease. Therefore, it has been classified as a Variant of Uncertain Significance. Advanced modeling of protein sequence and biophysical properties (such as structural, functional, and spatial information, amino acid conservation, physicochemical variation, residue mobility, and thermodynamic stability) performed at Invitae indicates that this missense variant is expected to disrupt DNAI2 protein function. ClinVar contains an entry for this variant (Variation ID: 1756876). This missense change has been observed in individual(s) with clinical features of DNAI2-related conditions (Invitae). This sequence change replaces glycine, which is neutral and non-polar, with valine, which is neutral and non-polar, at codon 235 of the DNAI2 protein (p.Gly235Val).

Ambry Genetics
Classification: Uncertain significance for Primary ciliary dyskinesia. Last evaluated: 2017-02-27. Review status: criteria provided, single submitter. Criteria: Ambry Variant Classification Scheme 2023. Collection method: clinical testing. Allele origin: germline.
Comment: The p.G235V variant (also known as c.704G>T), located in coding exon 5 of the DNAI2 gene, results from a G to T substitution at nucleotide position 704. The glycine at codon 235 is replaced by valine, an amino acid with dissimilar properties. This amino acid position is highly conserved in available vertebrate species. In addition, this alteration is predicted to be deleterious by in silico analysis. Since supporting evidence is limited at this time, the clinical significance of this alteration remains unclear.

NM_023036.6(DNAI2):c.704G>T (p.Gly235Val)

Gene: DNAI2 (dynein axonemal intermediate chain 2; plus strand). Cytogenetic location: 17q25.1.
Variant type: single nucleotide variant.
Coding change: c.704G>T on transcript NM_023036.6 (MANE Select); coding-DNA position 704, G replaced by T.
Protein change: p.Gly235Val; replaces glycine 235 with valine.
Molecular consequence: missense variant. On other transcripts: non-coding transcript variant (1).
Genome position (GRCh38, 1-based): chr17:74,291,113, G>T. VCF-style: chr17-74291113-G-T. GRCh37 (hg19) VCF-style: chr17-72287252-G-T.
Other names: c.704G>T, p.Gly235Val (NM_001172810.3, NM_001353167.2); short protein forms G235V.
Identifiers: ClinVar variation 1756876 (VCV001756876.5), dbSNP rs2509710481, ClinGen allele CA400907138.
Genomic context (GRCh38, chr17:74,291,113, plus strand): 5'-CATCGTCTCCACTCGTGACGTTGGAGTTCAACCCCAAAGATTCCCACGTACTCCTGGGTG[G>T]CTGCTACAATGGACAGATAGGTAAGGAGGGACCTAGGCTTTTTTATTTTTATTTTTATTT-3'
Protein context (NP_075462.3, residues 225-245): NPKDSHVLLG[Gly235Val]CYNGQIACWD